The following is an entry in ClinVar:

ClinVar aggregate classification (germline): Uncertain significance (1 of 4 stars; one submission).

Submission:

Labcorp Genetics (formerly Invitae), Labcorp
Classification: Uncertain significance. Last evaluated: 2024-02-13. Review status: criteria provided, single submitter. Criteria: Invitae Variant Classification Sherloc (09022015). Collection method: clinical testing. Allele origin: germline.
Comment: This variant, c.1322_1324del, results in the deletion of 1 amino acid(s) of the MBD4 protein (p.Pro441del), but otherwise preserves the integrity of the reading frame. This variant is not present in population databases (gnomAD no frequency). This variant has not been reported in the literature in individuals affected with MBD4-related conditions. Experimental studies and prediction algorithms are not available or were not evaluated, and the functional significance of this variant is currently unknown. In summary, the available evidence is currently insufficient to determine the role of this variant in disease. Therefore, it has been classified as a Variant of Uncertain Significance.

NM_001276270.2(MBD4):c.1301CTC[1] (p.Pro435del)

Gene: MBD4 (methyl-CpG binding domain 4, DNA glycosylase; minus strand). Cytogenetic location: 3q21.3.
Variant type: Microsatellite.
Coding change: c.1301CTC[1] on transcript NM_001276270.2 (MANE Select); one copy of the 3-base unit CTC starting at c.1301; the reference has two copies in a row; one copy, 3 bases deleted.
Protein change: p.Pro435del; deletes proline 435.
Genome position (GRCh38, 1-based): chr3:129,433,937-129,433,939, GAG deleted on the plus strand (CTC on the coding strand, the reverse complement: MBD4 is on the minus strand); deleting any 3 consecutive bases within chr3:129,433,937-129,433,943 gives the same sequence; the position shown is the placement nearest the transcript's 3' end. VCF-style (leftmost placement, unchanged base first): chr3-129433936-CGAG-C. GRCh37 (hg19) VCF-style: chr3-129152779-CGAG-C.
Other names: c.1319CTC[1], p.Pro441del (NM_001276271.2, NM_001276272.2, NM_003925.3); c.365CTC[1], p.Pro123del (NM_001276273.2); short protein forms P435del, P441del, P123del.
Identifiers: ClinVar variation 3639630 (VCV003639630.2).
Genomic context (GRCh38, chr3:129,433,936, plus strand): 5'-GCGATGAGAAGCTTCCATGGATCATGAAAAAGTGTTTCTTGAACGAGATTAAAAGGTGAC[CGAG>C]GAGGTGTCCATTTCTTAAAGGCTTTACGTCGTGGGGGGCTAAGAGCTAAACAAACATAGT-3'